The following is an entry in ClinVar:

ClinVar aggregate classification (germline): Uncertain significance (1 of 4 stars; one submission).

Conditions:
Ehlers-Danlos syndrome, classic type, 1 (EDSCL1). Also called: EHLERS-DANLOS SYNDROME, GRAVIS TYPE; EHLERS-DANLOS SYNDROME, SEVERE CLASSIC TYPE; Ehlers-Danlos syndrome, type 1; Ehlers-Danlos Syndrome, Classic Type, COL5A1-Related; EDS I. Identifiers: MedGen C0268335, MONDO:0019567, OMIM 130000.

Submission:

Labcorp Genetics (formerly Invitae), Labcorp
Classification: Uncertain significance for Ehlers-Danlos syndrome, classic type, 1. Last evaluated: 2024-11-27. Review status: criteria provided, single submitter. Criteria: Invitae Variant Classification Sherloc (09022015). Collection method: clinical testing. Allele origin: germline.
Comment: This sequence change replaces isoleucine, which is neutral and non-polar, with methionine, which is neutral and non-polar, at codon 1101 of the COL5A1 protein (p.Ile1101Met). This variant is not present in population databases (gnomAD no frequency). This variant has not been reported in the literature in individuals affected with COL5A1-related conditions. Invitae Evidence Modeling of protein sequence and biophysical properties (such as structural, functional, and spatial information, amino acid conservation, physicochemical variation, residue mobility, and thermodynamic stability) has been performed for this missense variant. However, the output from this modeling did not meet the statistical confidence thresholds required to predict the impact of this variant on COL5A1 protein function. In summary, the available evidence is currently insufficient to determine the role of this variant in disease. Therefore, it has been classified as a Variant of Uncertain Significance.

NM_000093.5(COL5A1):c.3303C>G (p.Ile1101Met)

Gene: COL5A1 (collagen type V alpha 1 chain; plus strand). Cytogenetic location: 9q34.3.
Variant type: single nucleotide variant.
Coding change: c.3303C>G on transcript NM_000093.5 (MANE Select); coding-DNA position 3303, C replaced by G.
Protein change: p.Ile1101Met; replaces isoleucine 1101 with methionine.
Molecular consequence: missense variant.
Genome position (GRCh38, 1-based): chr9:134,806,233, C>G. VCF-style: chr9-134806233-C-G. GRCh37 (hg19) VCF-style: chr9-137698079-C-G.
Other names: c.3303C>G, p.Ile1101Met (NM_001278074.1); short protein forms I1101M.
Identifiers: ClinVar variation 3719759 (VCV003719759.2).
Genomic context (GRCh38, chr9:134,806,233, plus strand): 5'-TCTTGCTCCACCTCAGGGATCTCCAGGGGAGAGAGGTCCAGCTGGAGCCGCTGGGCCCAT[C>G]GGAATTCCAGGGAGACCTGGGCCCCAGGGACCCCCAGGGCCGGCAGGAGAGAAAGGGGCT-3'
Protein context (NP_000084.3, residues 1091-1111): ERGPAGAAGP[Ile1101Met]GIPGRPGPQG